The following is an entry in ClinVar:

ClinVar aggregate classification (germline): Conflicting classifications of pathogenicity. Review status: criteria provided, conflicting classifications (1 of 4 stars). 11 submissions from 7 submitters: Uncertain significance (8); Likely benign (3). Last evaluated 2026-04-01.

Conditions:
TTN-related disorder. Also called: TTN-related disorders; TTN-related condition; TTN-related disease.
Dilated cardiomyopathy 1G (CMD1G). Identifiers: Orphanet 154, MedGen C1858763, MONDO:0011400, OMIM 604145.
Autosomal recessive limb-girdle muscular dystrophy type 2J (LGMDR10). Also called: MUSCULAR DYSTROPHY, LIMB-GIRDLE, AUTOSOMAL RECESSIVE 10; Limb-girdle muscular dystrophy, type 2J. Identifiers: Orphanet 140922, MedGen C1837342, MONDO:0012127, OMIM 608807.
Early-onset myopathy with fatal cardiomyopathy (CMYO5). Also called: CONGENITAL MYOPATHY 5 WITH CARDIOMYOPATHY; Salih Myopathy. Identifiers: Orphanet 289377, MedGen C2673677, MONDO:0012714, OMIM 611705. Disease mechanism: loss of function.
Myopathy, myofibrillar, 9, with early respiratory failure (MFM9). Also called: Hereditary myopathy with early respiratory failure; EDSTROM MYOPATHY; Myopathy, distal, with early respiratory failure, autosomal dominant; MYOPATHY, PROXIMAL, WITH EARLY RESPIRATORY MUSCLE INVOLVEMENT. Identifiers: Orphanet 178464, Orphanet 34521, MedGen C1863599, MONDO:0011362, OMIM 603689.
Tibial muscular dystrophy (TMD). Also called: Udd Distal Myopathy – Tibial Muscular Dystrophy; Tibial muscular dystrophy, tardive; UDD MYOPATHY. Identifiers: Orphanet 609, MedGen C1838244, MONDO:0010870, OMIM 600334.

Allele frequency attached by ClinVar (database versions not stated): TOPMed 0.00003; ExAC 0.00006; gnomAD 0.00001; ESP Exome Variant Server 0.00008; gnomAD exomes 0.00004.
gnomAD v4.1: 56 of 1,539,968 alleles (0.0036%); highest among the groups gnomAD compares: Non-Finnish European, 0.0047%; no homozygotes.

Submissions (11):

CeGaT Center for Human Genetics Tuebingen
Classification: Uncertain significance. Last evaluated: 2026-04-01. Review status: criteria provided, single submitter. Criteria: CeGaT Center For Human Genetics Tuebingen Variant Classification Criteria Version 2. Collection method: clinical testing. Allele origin: germline. Affected: yes. Observed: 2 variant alleles.
Comment: TTN: PM2, BP4

PreventionGenetics, part of Exact Sciences
Classification: Uncertain significance for TTN-related condition. Last evaluated: 2025-12-19. Review status: criteria provided, single submitter. Criteria: ACMG Guidelines, 2015. Collection method: clinical testing. Allele origin: germline.
Comment: The TTN c.34601T>C variant is predicted to result in the amino acid substitution p.Leu11534Pro. This variant has been reported in a cohort study of individuals with dilated cardiomyopathy (Table S4, Franaszczyk et al. 2017. PubMed ID: 28045975). This variant is reported in 0.0086% of alleles in individuals of European (Non-Finnish) descent in gnomAD. At this time, the clinical significance of this variant is uncertain due to the absence of conclusive functional and genetic evidence.

Revvity Omics, Revvity
Classification: Uncertain significance. Last evaluated: 2025-01-16. Review status: criteria provided, single submitter. Criteria: ACMG Guidelines, 2015. Collection method: clinical testing. Allele origin: germline.

GeneDx
Classification: Likely benign. Last evaluated: 2020-01-23. Review status: criteria provided, single submitter. Criteria: GeneDx Variant Classification Process June 2021. Collection method: clinical testing. Allele origin: germline. Affected: yes.

ARUP Laboratories, Molecular Genetics and Genomics, ARUP Laboratories
Classification: Uncertain significance. Last evaluated: 2019-08-12. Review status: criteria provided, single submitter. Criteria: ARUP Molecular Germline Variant Investigation Process. Collection method: clinical testing. Allele origin: germline.
Comment: The TTN c.34601T>C, p.Leu11534Pro variant (rs376836503; ClinVar Variation ID: 202300) is rare in the general population (<1% allele frequency in the Genome Aggregation Database) and has not been reported in the medical literature in association with dilated cardiomyopathy (DCM) or other TTN-related disease. The clinical relevance of rare missense variants in this gene, which are identified on average once per individual sequenced in affected populations (Herman 2012), is not well understood. Yet, evidence suggests that the vast majority of such missense variants do not contribute to the clinical outcome of DCM (Begay 2015). Thus, the clinical significance of the p.Leu11534Pro variant cannot be determined with certainty. References: Begay RL et al. Role of Titin Missense Variants in Dilated Cardiomyopathy. J Am Heart Assoc. 2015 Nov 13;4(11). Herman DS et al. Truncations of titin causing dilated cardiomyopathy. N Engl J Med. 2012 Feb 16;366(7):619-28.

Illumina Laboratory Services, Illumina
Classification: Uncertain significance for Autosomal recessive limb-girdle muscular dystrophy type 2J. Last evaluated: 2018-01-12. Review status: criteria provided, single submitter. Criteria: ICSL Variant Classification Criteria 13 December 2019. Collection method: clinical testing. Allele origin: germline.

Illumina Laboratory Services, Illumina
Classification: Likely benign for Tibial muscular dystrophy. Last evaluated: 2018-01-12. Review status: criteria provided, single submitter. Criteria: ICSL Variant Classification Criteria 13 December 2019. Collection method: clinical testing. Allele origin: germline.
Comment: This variant was observed in the ICSL laboratory as part of a predisposition screen in an ostensibly healthy population. It had not been previously curated by ICSL or reported in the Human Gene Mutation Database (HGMD: prior to June 1st, 2018), and was therefore a candidate for classification through an automated scoring system. Utilizing variant allele frequency, disease prevalence and penetrance estimates, and inheritance mode, an automated score was calculated to assess if this variant is too frequent to cause the disease. Based on the score and internal cut-off values, a variant classified as likely benign is not then subjected to further curation. The score for this variant resulted in a classification of likely benign for this disease.

Illumina Laboratory Services, Illumina
Classification: Likely benign for Myopathy, myofibrillar, 9, with early respiratory failure. Last evaluated: 2018-01-12. Review status: criteria provided, single submitter. Criteria: ICSL Variant Classification Criteria 13 December 2019. Collection method: clinical testing. Allele origin: germline.
Comment: the same text as in the submission from Illumina Laboratory Services, Illumina above.

Illumina Laboratory Services, Illumina
Classification: Uncertain significance for Dilated cardiomyopathy 1G. Last evaluated: 2018-01-12. Review status: criteria provided, single submitter. Criteria: ICSL Variant Classification Criteria 13 December 2019. Collection method: clinical testing. Allele origin: germline.

Illumina Laboratory Services, Illumina
Classification: Uncertain significance for Early-onset myopathy with fatal cardiomyopathy. Last evaluated: 2018-01-12. Review status: criteria provided, single submitter. Criteria: ICSL Variant Classification Criteria 13 December 2019. Collection method: clinical testing. Allele origin: germline.

Labcorp Genetics (formerly Invitae), Labcorp
Classification: Uncertain significance for Dilated cardiomyopathy 1G; Autosomal recessive limb-girdle muscular dystrophy type 2J. Last evaluated: 2017-04-05. Review status: criteria provided, single submitter. Criteria: Invitae Variant Classification Sherloc (09022015). Collection method: clinical testing. Allele origin: germline.

NM_001267550.2(TTN):c.34601T>C (p.Leu11534Pro)

Gene: TTN (titin; minus strand). Cytogenetic location: 2q31.2.
Variant type: single nucleotide variant.
Coding change: c.34601T>C on transcript NM_001267550.2 (MANE Select); coding-DNA position 34601, T replaced by C.
Protein change: p.Leu11534Pro; replaces leucine 11534 with proline.
Molecular consequence: missense variant. On other transcripts: intron variant (3).
Genome position (GRCh38, 1-based): chr2:178,675,050, A>G on the plus strand (T>C on the coding strand, the complement: TTN is on the minus strand). VCF-style: chr2-178675050-A-G. GRCh37 (hg19) VCF-style: chr2-179539777-A-G.
Other names: p.L11160P:CTA>CCA; c.30698T>C, p.Leu10233Pro (NM_133378.4); c.13283-32733T>C (NM_003319.4); c.13859-32733T>C (NM_133437.4); c.13658-32733T>C (NM_133432.3); c.33479T>C, p.Leu11160Pro (NM_001256850.1); short protein forms L11160P, L11534P, L10233P.
Identifiers: ClinVar variation 202300 (VCV000202300.39), dbSNP rs376836503, ClinGen allele CA309016.